The following is an entry in ClinVar:

NM_020223.4(FAM20C):c.1746G>A (p.Ser582=)

Gene: FAM20C (FAM20C golgi associated secretory pathway kinase; plus strand). Cytogenetic location: 7p22.3.
Variant type: single nucleotide variant.
Coding change: c.1746G>A on transcript NM_020223.4 (MANE Select); coding-DNA position 1746, G replaced by A.
Protein change: p.Ser582=; no amino-acid change (serine 582 retained).
Molecular consequence: synonymous variant.
Genome position (GRCh38, 1-based): chr7:259,971, G>A. VCF-style: chr7-259971-G-A. GRCh37 (hg19) VCF-style: chr7-299937-G-A.
Identifiers: ClinVar variation 3053779 (VCV003053779.2), dbSNP rs757913083, ClinGen allele CA4109232.

ClinVar aggregate classification (germline): Likely benign (0 of 4 stars; one submission).

Conditions:
FAM20C-related disorder. Also called: FAM20C-related condition.

Allele frequency attached by ClinVar (database versions not stated): gnomAD exomes 0.00003; ExAC 0.00009.
gnomAD v4.1: 48 of 1,513,620 alleles (0.0032%); highest among the groups gnomAD compares: Middle Eastern, 0.017%; no homozygotes.

Submission:

PreventionGenetics, part of Exact Sciences
Classification: Likely benign for FAM20C-related condition. Last evaluated: 2019-08-13. Review status: no assertion criteria provided. Collection method: clinical testing. Allele origin: germline.
Comment: This variant is classified as likely benign based on ACMG/AMP sequence variant interpretation guidelines (Richards et al. 2015 PMID: 25741868, with internal and published modifications).